The following is an entry in ClinVar:

ClinVar aggregate classification (germline): Uncertain significance (1 of 4 stars; one submission).

Conditions:
Hypokalemic periodic paralysis, type 1. Also called: HypoPP; Hypokalemic Periodic Paralysis Type 1 (AD). Identifiers: Orphanet 681, MedGen C3714580, MONDO:0042979, OMIM 170400.
Malignant hyperthermia, susceptibility to, 5 (MHS5). Also called: CACNA1S-Related Malignant Hyperthermia Susceptibility. Identifiers: Orphanet 423, MedGen C1866077, MONDO:0011163, OMIM 601887.

Allele frequency attached by ClinVar (database versions not stated): gnomAD exomes below 0.00001; ExAC 0.00001.
gnomAD v4.1: 2 of 1,613,952 alleles (0.00012%); highest among the groups gnomAD compares: Non-Finnish European, 0.000085%; no homozygotes.

Submission:

Labcorp Genetics (formerly Invitae), Labcorp
Classification: Uncertain significance for Hypokalemic periodic paralysis, type 1; Malignant hyperthermia, susceptibility to, 5. Last evaluated: 2025-10-22. Review status: criteria provided, single submitter. Criteria: Invitae Variant Classification Sherloc (09022015). Collection method: clinical testing. Allele origin: germline.
Comment: This sequence change replaces methionine, which is neutral and non-polar, with isoleucine, which is neutral and non-polar, at codon 635 of the CACNA1S protein (p.Met635Ile). This variant is present in population databases (rs754126882, gnomAD 0.004%). This variant has not been reported in the literature in individuals affected with CACNA1S-related conditions. ClinVar contains an entry for this variant (Variation ID: 1498260). Invitae Evidence Modeling of protein sequence and biophysical properties (such as structural, functional, and spatial information, amino acid conservation, physicochemical variation, residue mobility, and thermodynamic stability) indicates that this missense variant is not expected to disrupt CACNA1S protein function with a negative predictive value of 95%. In summary, the available evidence is currently insufficient to determine the role of this variant in disease. Therefore, it has been classified as a Variant of Uncertain Significance.

NM_000069.3(CACNA1S):c.1905G>A (p.Met635Ile)

Gene: CACNA1S (calcium voltage-gated channel subunit alpha1 S; minus strand). Cytogenetic location: 1q32.1.
Variant type: single nucleotide variant.
Coding change: c.1905G>A on transcript NM_000069.3 (MANE Select); coding-DNA position 1905, G replaced by A.
Protein change: p.Met635Ile; replaces methionine 635 with isoleucine.
Molecular consequence: missense variant.
Genome position (GRCh38, 1-based): chr1:201,075,538, C>T on the plus strand (G>A on the coding strand, the complement: CACNA1S is on the minus strand). VCF-style: chr1-201075538-C-T. GRCh37 (hg19) VCF-style: chr1-201044666-C-T.
Other names: short protein forms M635I.
Identifiers: ClinVar variation 1498260 (VCV001498260.8), dbSNP rs754126882, ClinGen allele CA078664.
Genomic context (GRCh38, chr1:201,075,538, plus strand): 5'-TGCTCCCGAGAGGATACAGTTGCCACAGACGAAAAGGATGATGAAGTAAATGCACACAAG[C>T]ATGCCAGGGTAGGACGGCCCGCCGTAGGCCATGATCCCATTGTACATCATTGAGGTCCAG-3'
Protein context (NP_000060.2, residues 625-645): MAYGGPSYPG[Met635Ile]LVCIYFIILF